The following is an entry in ClinVar:

NM_018180.3(DHX32):c.1370A>C (p.Gln457Pro)

Genes: BCCIP (BRCA2 and CDKN1A interacting protein; plus strand), DHX32 (DEAH-box helicase 32 (putative); minus strand). Cytogenetic location: 10q26.2.
Variant type: single nucleotide variant.
Coding change: c.1370A>C on transcript NM_018180.3 (MANE Select); coding-DNA position 1370, A replaced by C.
Protein change: p.Gln457Pro; replaces glutamine 457 with proline.
Molecular consequence: missense variant. On other transcripts: 3 prime UTR variant (1), intron variant (1).
Genome position (GRCh38, 1-based): chr10:125,841,916, T>G on the plus strand (A>C on the coding strand, the complement: DHX32 is on the minus strand). VCF-style: chr10-125841916-T-G. GRCh37 (hg19) VCF-style: chr10-127530485-T-G.
Other names: c.*557T>G (NM_078469.3); c.850+586T>G (NM_016567.4); short protein forms Q457P.
Identifiers: ClinVar variation 2811168 (VCV002811168.3), dbSNP rs2494384621, ClinGen allele CA378674441.
Genomic context (GRCh38, chr10:125,841,916, plus strand): 5'-AATTCAGAAAGATTTCCATCATTATCCAGTGCTGCCAGATAATCTAAGTCTTCCAATGCC[T>G]GCATCAAACTTTCTGGTGCTAGGAAAGGAAAAAAATAATAATTTAAGAGTCTCATATGGC-3'
Protein context (NP_060650.2, residues 447-467): MNRPAPESLM[Gln457Pro]ALEDLDYLAA

ClinVar aggregate classification (germline): Uncertain significance (1 of 4 stars; one submission).

Submission:

Labcorp Genetics (formerly Invitae), Labcorp
Classification: Uncertain significance. Last evaluated: 2022-11-01. Review status: criteria provided, single submitter. Criteria: Invitae Variant Classification Sherloc (09022015). Collection method: clinical testing. Allele origin: germline.
Comment: This sequence change replaces glutamine, which is neutral and polar, with proline, which is neutral and non-polar, at codon 457 of the DHX32 protein (p.Gln457Pro). This variant is not present in population databases (gnomAD no frequency). This variant has not been reported in the literature in individuals affected with DHX32-related conditions. Algorithms developed to predict the effect of missense changes on protein structure and function (SIFT, PolyPhen-2, Align-GVGD) all suggest that this variant is likely to be disruptive. In summary, the available evidence is currently insufficient to determine the role of this variant in disease. Therefore, it has been classified as a Variant of Uncertain Significance.